The following is an entry in ClinVar:

ClinVar aggregate classification (germline): Uncertain significance (1 of 4 stars; one submission).

Submission:

Labcorp Genetics (formerly Invitae), Labcorp
Classification: Uncertain significance. Last evaluated: 2024-11-18. Review status: criteria provided, single submitter. Criteria: Invitae Variant Classification Sherloc (09022015). Collection method: clinical testing. Allele origin: germline.
Comment: This sequence change replaces alanine, which is neutral and non-polar, with serine, which is neutral and polar, at codon 1508 of the NSD1 protein (p.Ala1508Ser). Information on the frequency of this variant in the gnomAD database is not available, as this variant may be reported differently in the database. This missense change has been observed in individual(s) with clinical features of Sotos syndrome (internal data). ClinVar contains an entry for this variant (Variation ID: 1036779). Experimental studies and prediction algorithms are not available or were not evaluated, and the functional significance of this variant is currently unknown. In summary, the available evidence is currently insufficient to determine the role of this variant in disease. Therefore, it has been classified as a Variant of Uncertain Significance.

NM_022455.5(NSD1):c.4521_4522delinsTT (p.Ala1508Ser)

Gene: NSD1 (nuclear receptor binding SET domain protein 1; plus strand). Cytogenetic location: 5q35.3.
Variant type: Indel.
Coding change: c.4521_4522delinsTT on transcript NM_022455.5 (MANE Select); coding-DNA positions 4521 to 4522, GG replaced by TT.
Protein change: p.Ala1508Ser; replaces alanine 1508 with serine.
Molecular consequence: missense variant.
Genome position (GRCh38, 1-based): chr5:177,248,204-177,248,205, GG replaced by TT. VCF-style: chr5-177248204-GG-TT. GRCh37 (hg19) VCF-style: chr5-176675205-GG-TT.
Other names: c.3648_3649delGGinsTT, p.Ala1217Ser (NM_001365684.2, NM_001409306.1, NM_001409307.1 and 3 more transcripts); c.4521_4522delGGinsTT, p.Ala1508Ser (NM_001409301.1, NM_001409302.1, NM_001409303.1); c.4101_4102delGGinsTT, p.Ala1368Ser (NM_001409304.1); c.3768_3769delGGinsTT, p.Ala1257Ser (NM_001409305.1); short protein forms A1239S, A1508S, A1217S, A1368S, A1257S.
Identifiers: ClinVar variation 1036779 (VCV001036779.11), dbSNP rs1766449552, ClinGen allele CA1603498173.